The following is an entry in ClinVar:

NM_022356.4(P3H1):c.2154dup (p.Glu719fs)

Gene: P3H1 (prolyl 3-hydroxylase 1; minus strand). Cytogenetic location: 1p34.2.
Variant type: Duplication.
Coding change: c.2154dup on transcript NM_022356.4 (MANE Select); coding-DNA position 2154, one base duplicated (C; older notation c.2154dupC).
Protein change: p.Glu719fs; shifts the reading frame from glutamic acid 719.
Molecular consequence: frameshift variant. On other transcripts: 3 prime UTR variant (2).
Genome position (GRCh38, 1-based): chr1:42,746,754, G duplicated on the plus strand (C on the coding strand, the reverse complement: P3H1 is on the minus strand); the first of 7 consecutive G bases (chr1:42,746,754-42,746,760); duplicating any one gives the same sequence. VCF-style (leftmost placement, unchanged base first): chr1-42746753-C-CG. GRCh37 (hg19) VCF-style: chr1-43212431-A-GG.
Other names: c.*79dup (NM_001146289.2); c.*158dup (NM_001243246.2); short protein forms E719fs.
Identifiers: ClinVar variation 1361320 (VCV001361320.9), dbSNP rs752671524, ClinGen allele CA21241103.

ClinVar aggregate classification (germline): Pathogenic. Review status: criteria provided, multiple submitters, no conflicts (2 of 4 stars). 4 submissions from 4 submitters: Pathogenic (4). Last evaluated 2025-09-15.

Conditions:
Osteogenesis imperfecta type 8 (OI8). Identifiers: MedGen C1970458, MONDO:0012581, OMIM 610915.

Submissions (4):

3billion
Classification: Pathogenic for Osteogenesis imperfecta type 8. Last evaluated: 2025-09-15. Review status: criteria provided, single submitter. Criteria: ACMG Guidelines, 2015. Collection method: clinical testing. Allele origin: germline. Affected: yes.
Comment: The variant is observed at an extremely low frequency in the gnomAD v4.1.0 dataset (total allele frequency: <0.001%). Predicted Consequence/Location: Frameshift: predicted to result in a loss or disruption of normal protein function through protein truncation. The predicted truncated protein may be shortened by less than 10% and a dominant negative effect has been reported near truncated region. The variant has been reported to be in trans with a pathogenic variant as either compound heterozygous or homozygous in at least one similarly affected unrelated individual (PMID: 22615817). The variant has been reported to co-segregate with the disease in at least one similarly affected relative/individual in the same family or similarly affected unrelated families (PMID: 22615817). The variant has been reported at least twice as pathogenic with clinical assertions and evidence for the classification (ClinVar ID: VCV001361320 /PMID: 22615817). Therefore, this variant is classified as Pathogenic according to the recommendation of ACMG/AMP guideline.

Labcorp Genetics (formerly Invitae), Labcorp
Classification: Pathogenic for Osteogenesis imperfecta type 8. Last evaluated: 2023-08-04. Review status: criteria provided, single submitter. Criteria: Invitae Variant Classification Sherloc (09022015). Collection method: clinical testing. Allele origin: germline.
Comment: For these reasons, this variant has been classified as Pathogenic. This variant disrupts a region of the P3H1 protein in which other variant(s) (p.Q722*) have been observed in individuals with P3H1-related conditions (PMID: 27864101). This suggests that this is a clinically significant region of the protein, and that variants that disrupt it are likely to be disease-causing. ClinVar contains an entry for this variant (Variation ID: 1361320). This premature translational stop signal has been observed in individual(s) with osteogenesis imperfecta (PMID: 22615817). In at least one individual the data is consistent with being in trans (on the opposite chromosome) from a pathogenic variant. It has also been observed to segregate with disease in related individuals. The frequency data for this variant in the population databases is considered unreliable, as metrics indicate poor data quality at this position in the gnomAD database. This sequence change creates a premature translational stop signal (p.Glu719Argfs*11) in the P3H1 gene. While this is not anticipated to result in nonsense mediated decay, it is expected to disrupt the last 18 amino acid(s) of the P3H1 protein.

Genome-Nilou Lab
Classification: Pathogenic for Osteogenesis imperfecta type 8. Last evaluated: 2023-04-11. Review status: criteria provided, single submitter. Criteria: ACMG Guidelines, 2015. Collection method: clinical testing. Allele origin: germline. Affected: no.

Victorian Clinical Genetics Services, Murdoch Childrens Research Institute
Classification: Pathogenic for Osteogenesis imperfecta type 8. Last evaluated: 2022-02-02. Review status: criteria provided, single submitter. Criteria: ACMG Guidelines, 2015. Collection method: clinical testing. Allele origin: germline. Inheritance: Autosomal recessive inheritance.
Comment: Based on the classification scheme VCGS_Germline_v1.3.4, this variant is classified as Pathogenic. Following criteria are met: 0102 - Loss of function is a known mechanism of disease in this gene and is associated with osteogenesis imperfecta, type VIII (MIM#610915). (I) 0106 - This gene is associated with autosomal recessive disease. (I) 0205 - Variant is predicted to result in a truncated protein (premature termination codon is NOT located at least 54 nucleotides upstream of the final exon-exon junction) with less than 1/3 of the protein sequence affected. (SP) 0252 - This variant is homozygous. (I) 0304 - Variant is present in gnomAD (v3) <0.01 for a recessive condition (2 heterozygotes, 0 homozygotes). (SP) 0601 - Variant truncates the the well-established functional KDEL ER-retrieval motif. The KDEL motif is required to retain P3H1 protein in the endoplasmic reticulum where it is involved in the post-translational modification of collagen (UniProt, PMID: 22615817). (SP) 0704 - Another truncating variant comparable to the one identified in this case has limited previous evidence for pathogenicity. A truncating variant downstream of this variant has been reported in one unrelated individual with osteogenesis imperfecta (PMID: 27864101). (SP) 0803 - This variant has limited previous evidence of pathogenicity in an unrelated individual. This variant was reported compound heterozygous in an individual with osteogenesis imperfecta (PMID: 22615817). (SP) 0906 - Segregation evidence for this variant is inconclusive. The family reported by Takagi et al had a second pregnancy affected similarly to the proband, with the same variants (PMID: 22615817). (I) 1001 - This variant has strong functional evidence supporting abnormal protein function. In patient cells, Takagi et al found that although this mutant transcript was expressed there was a complete absence of intracellular protein, and observed an overmodification of collagen (PMID: 22615817). (SP) 1208 - Inheritance information for this variant is not currently available in this individual. (I) Legend: (SP) - Supporting pathogenic, (I) - Information, (SB) - Supporting benign

Literature cited by the submitters: PubMed 22615817 (cited by 3 submitters); PubMed 27864101 (cited by Labcorp Genetics (formerly Invitae), Labcorp and Victorian Clinical Genetics Services, Murdoch Childrens Research Institute).